The following is an entry in ClinVar:

NM_001111.5(ADAR):c.1613A>G (p.Gln538Arg)

Gene: ADAR (adenosine deaminase RNA specific; minus strand). Cytogenetic location: 1q21.3.
Variant type: single nucleotide variant.
Coding change: c.1613A>G on transcript NM_001111.5 (MANE Select); coding-DNA position 1613, A replaced by G.
Protein change: p.Gln538Arg; replaces glutamine 538 with arginine.
Molecular consequence: missense variant.
Genome position (GRCh38, 1-based): chr1:154,598,574, T>C on the plus strand (A>G on the coding strand, the complement: ADAR is on the minus strand). VCF-style: chr1-154598574-T-C. GRCh37 (hg19) VCF-style: chr1-154571050-T-C.
Other names: c.1613A>G, p.Gln538Arg (LRG_1212t1, NM_015840.4, NM_015841.4); c.728A>G, p.Gln243Arg (NM_001025107.3, NM_001193495.2, NM_001365046.1 and 3 more transcripts); c.1640A>G, p.Gln547Arg (NM_001365045.1); short protein forms Q243R, Q538R, Q547R.
Identifiers: ClinVar variation 664106 (VCV000664106.8), dbSNP rs1571096481, ClinGen allele CA342639723.
Genomic context (GRCh38, chr1:154,598,574, plus strand): 5'-TTGGCCACTTTCTTGCTTCCAGCTTCAGCTGGGGGAAACTCTCGGCCATTGATGACAACC[T>C]GGAATTTAAATCTTGACGGAAAGTGATTAGATGTGTGAACAGGAGTCTAGGTCACTCCTT-3'
Protein context (NP_001102.3, residues 528-548): GPPHEPRFKF[Gln538Arg]VVINGREFPP

ClinVar aggregate classification (germline): Uncertain significance (1 of 4 stars; one submission).

Conditions:
Aicardi-Goutieres syndrome 6 (AGS6). Identifiers: Orphanet 51, MedGen C3539013, MONDO:0014007, OMIM 615010.
Symmetrical dyschromatosis of extremities (DSH). Also called: Dyschromatosis symmetrica hereditaria; DYSCHROMATOSIS SYMMETRICA HEREDITARIA 1; RETICULATE ACROPIGMENTATION OF DOHI; SYMMETRIC DYSCHROMATOSIS OF THE EXTREMITIES. Identifiers: Orphanet 41, MedGen C0406775, MONDO:0007483, OMIM 127400.

Submission:

Labcorp Genetics (formerly Invitae), Labcorp
Classification: Uncertain significance for Aicardi-Goutieres syndrome 6; Symmetrical dyschromatosis of extremities. Last evaluated: 2018-12-23. Review status: criteria provided, single submitter. Criteria: Invitae Variant Classification Sherloc (09022015). Collection method: clinical testing. Allele origin: germline.
Comment: In summary, the available evidence is currently insufficient to determine the role of this variant in disease. Therefore, it has been classified as a Variant of Uncertain Significance. Algorithms developed to predict the effect of missense changes on protein structure and function are either unavailable or do not agree on the potential impact of this missense change (SIFT: "Tolerated"; PolyPhen-2: "Probably Damaging"; Align-GVGD: "Class C0"). This variant has not been reported in the literature in individuals with ADAR-related conditions. This variant is not present in population databases (ExAC no frequency). This sequence change replaces glutamine with arginine at codon 538 of the ADAR protein (p.Gln538Arg). The glutamine residue is highly conserved and there is a small physicochemical difference between glutamine and arginine.